The following is an entry in ClinVar:

NM_001105206.3(LAMA4):c.5423C>G (p.Ala1808Gly)

Gene: LAMA4 (laminin subunit alpha 4; minus strand). Cytogenetic location: 6q21.
Variant type: single nucleotide variant.
Coding change: c.5423C>G on transcript NM_001105206.3 (MANE Select); coding-DNA position 5423, C replaced by G.
Protein change: p.Ala1808Gly; replaces alanine 1808 with glycine.
Molecular consequence: missense variant.
Genome position (GRCh38, 1-based): chr6:112,109,486, G>C on the plus strand (C>G on the coding strand, the complement: LAMA4 is on the minus strand). VCF-style: chr6-112109486-G-C. GRCh37 (hg19) VCF-style: chr6-112430689-G-C.
Other names: c.5402C>G, p.Ala1801Gly (NM_001105207.3, NM_002290.5); short protein forms A1801G, A1808G.
Identifiers: ClinVar variation 4045959 (VCV004045959.1).
Genomic context (GRCh38, chr6:112,109,486, plus strand): 5'-GCTCTGTCATGTCAGGCTGCTGGACAGGAGTTGATGCTTACGGCGCCGCTGACCAGGGCT[G>C]CTTTACTGAAGCTCACTGGGTGTCCATCAATCACAAAGTGGCGTATGCAGCCTGTGAAGG-3'
Protein context (NP_001098676.2, residues 1798-1818): IDGHPVSFSK[Ala1808Gly]ALVSGAVSIN

ClinVar aggregate classification (germline): Uncertain significance (1 of 4 stars; one submission).

Conditions:
Cardiovascular phenotype. Identifiers: MedGen CN230736.

Submission:

Ambry Genetics
Classification: Uncertain significance for Cardiovascular phenotype. Last evaluated: 2025-05-26. Review status: criteria provided, single submitter. Criteria: Ambry Variant Classification Scheme 2023. Collection method: clinical testing. Allele origin: germline.
Comment: The p.A1801G variant (also known as c.5402C>G), located in coding exon 38 of the LAMA4 gene, results from a C to G substitution at nucleotide position 5402. The alanine at codon 1801 is replaced by glycine, an amino acid with similar properties. This amino acid position is conserved. In addition, the in silico prediction for this alteration is inconclusive. Based on the available evidence, the clinical significance of this variant remains unclear.